The following is an entry in ClinVar:

NM_006648.4(WNK2):c.319G>A (p.Ala107Thr)

Gene: WNK2 (WNK lysine deficient protein kinase 2; plus strand). Cytogenetic location: 9q22.31.
Variant type: single nucleotide variant.
Coding change: c.319G>A on transcript NM_006648.4 (MANE Select); coding-DNA position 319, G replaced by A.
Protein change: p.Ala107Thr; replaces alanine 107 with threonine.
Molecular consequence: missense variant.
Genome position (GRCh38, 1-based): chr9:93,185,248, G>A. VCF-style: chr9-93185248-G-A. GRCh37 (hg19) VCF-style: chr9-95947530-G-A.
Other names: c.319G>A, p.Ala107Thr (NM_001282394.3); short protein forms A107T.
Identifiers: ClinVar variation 3470031 (VCV003470031.1).
Genomic context (GRCh38, chr9:93,185,248, plus strand): 5'-GAGCGCGCCCGCGGACGCCCCGCCGCCCCCGCGCCCGCAGCGCTGGTAGCGCAGCCGGGA[G>A]CCCCCGGAGCCCCCGCGGACGCCGGCCCCGAGCCCGTGGGCACGCAGGAGCCCGGCCCGG-3'
Protein context (NP_006639.3, residues 97-117): APAALVAQPG[Ala107Thr]PGAPADAGPE

ClinVar aggregate classification (germline): Uncertain significance (1 of 4 stars; one submission).

gnomAD v4.1: 793 of 1,232,716 alleles (0.064%); highest among the groups gnomAD compares: African/African-American, 1.1%; 2 homozygotes.

Submission:

Ambry Genetics
Classification: Uncertain significance. Last evaluated: 2024-10-02. Review status: criteria provided, single submitter. Criteria: Ambry Variant Classification Scheme 2023. Collection method: clinical testing. Allele origin: germline.
Comment: The p.A107T variant (also known as c.319G>A), located in coding exon 1 of the WNK2 gene, results from a G to A substitution at nucleotide position 319. The alanine at codon 107 is replaced by threonine, an amino acid with similar properties. This amino acid position is conserved. In addition, this alteration is predicted to be tolerated by in silico analysis. Based on the available evidence, the clinical significance of this variant remains unclear.